The following is an entry in ClinVar:

NM_018489.3(ASH1L):c.5078C>T (p.Ser1693Phe)

Gene: ASH1L (ASH1 like histone lysine methyltransferase; minus strand). Cytogenetic location: 1q22.
Variant type: single nucleotide variant.
Coding change: c.5078C>T on transcript NM_018489.3 (MANE Select); coding-DNA position 5078, C replaced by T.
Protein change: p.Ser1693Phe; replaces serine 1693 with phenylalanine.
Molecular consequence: missense variant.
Genome position (GRCh38, 1-based): chr1:155,459,805, G>A on the plus strand (C>T on the coding strand, the complement: ASH1L is on the minus strand). VCF-style: chr1-155459805-G-A. GRCh37 (hg19) VCF-style: chr1-155429596-G-A.
Other names: c.5078C>T, p.Ser1693Phe (NM_001366177.2); short protein forms S1693F.
Identifiers: ClinVar variation 5007873 (VCV005007873.2).
Genomic context (GRCh38, chr1:155,459,805, plus strand): 5'-AATAACAAATGGGAAACTATCTTGAAAATCTGGTAAAACAAATAGCACTAGCCTGTTGAA[G>A]AAGTACTCTCAGATGAAGACCTTTTCCGGGTAGGGCTACAATTTGTGCTCTCTGATGGCC-3'
Protein context (NP_060959.2, residues 1683-1703): TRKRSSSEST[Ser1693Phe]STVNGVPSRS

ClinVar aggregate classification (germline): Uncertain significance (1 of 4 stars; one submission).

Conditions:
Intellectual developmental disorder, autosomal dominant 52. Also called: Intellectual disability, autosomal dominant 52; Mental retardation, autosomal dominant 52. Identifiers: MedGen C4540478, MONDO:0030918, OMIM 617796.

Submission:

Juno Genomics, Hangzhou Juno Genomics, Inc
Classification: Uncertain significance for Intellectual developmental disorder, autosomal dominant 52. Review status: criteria provided, single submitter. Criteria: ACMG Guidelines, 2015. Collection method: clinical testing. Allele origin: germline.
Comment: Missense variant in a gene that has a low rate of benign missense variation.;Multiple lines of computational evidence support a deleterious effect on the gene or gene product.;Absent from controls (or at extremely low frequency if recessive) in Genome Aggregation Database.